The following is an entry in ClinVar:

NM_001079.4(ZAP70):c.1258_1261del (p.Gly420fs)

Gene: ZAP70 (zeta chain of T cell receptor associated protein kinase 70; plus strand). Cytogenetic location: 2q11.2.
Variant type: Microsatellite.
Coding change: c.1258_1261del on transcript NM_001079.4 (MANE Select); coding-DNA positions 1258 to 1261, 4 bases deleted (GGGC; older notation c.1258_1261delGGGC).
Protein change: p.Gly420fs; shifts the reading frame from glycine 420.
Molecular consequence: frameshift variant.
Genome position (GRCh38, 1-based): chr2:97,735,425-97,735,428, GGGC deleted; deleting any 4 consecutive bases within chr2:97,735,421-97,735,428 gives the same sequence; the c. name uses the placement nearest the transcript's 3' end. VCF-style (leftmost placement, unchanged base first): chr2-97735420-GGGGC-G. GRCh37 (hg19) VCF-style: chr2-98351883-GGGGC-G.
Other names: c.1258_1261del, p.Gly420fs (NM_001378594.1); c.337_340del, p.Gly113fs (NM_207519.2); short protein forms G113fs, G420fs.
Identifiers: ClinVar variation 3664651 (VCV003664651.2).

ClinVar aggregate classification (germline): Pathogenic (1 of 4 stars; one submission).

Conditions:
Combined immunodeficiency due to ZAP70 deficiency (IMD48). Also called: Immunodeficiency 48; ZAP70 Deficiency. Identifiers: Orphanet 911, MedGen C2931299, MONDO:0010023, OMIM 269840.

Submission:

Labcorp Genetics (formerly Invitae), Labcorp
Classification: Pathogenic for Combined immunodeficiency due to ZAP70 deficiency. Last evaluated: 2024-02-17. Review status: criteria provided, single submitter. Criteria: Invitae Variant Classification Sherloc (09022015). Collection method: clinical testing. Allele origin: germline.
Comment: This sequence change creates a premature translational stop signal (p.Gly420Argfs*15) in the ZAP70 gene. It is expected to result in an absent or disrupted protein product. Loss-of-function variants in ZAP70 are known to be pathogenic (PMID: 8202712). This variant is not present in population databases (gnomAD no frequency). This variant has not been reported in the literature in individuals affected with ZAP70-related conditions. For these reasons, this variant has been classified as Pathogenic.

Literature cited by the submitters: PubMed 8202712.